The following is an entry in ClinVar:

NM_001374828.1(ARID1B):c.5364C>T (p.Asp1788=)

Gene: ARID1B (AT-rich interaction domain 1B; plus strand). Cytogenetic location: 6q25.3.
Variant type: single nucleotide variant.
Coding change: c.5364C>T on transcript NM_001374828.1 (MANE Select); coding-DNA position 5364, C replaced by T.
Protein change: p.Asp1788=; no amino-acid change (aspartic acid 1788 retained).
Molecular consequence: synonymous variant.
Genome position (GRCh38, 1-based): chr6:157,203,966, C>T. VCF-style: chr6-157203966-C-T. GRCh37 (hg19) VCF-style: chr6-157525100-C-T.
Other names: c.2865C>T, p.Asp955= (NM_001363725.2); c.5244C>T, p.Asp1748= (NM_001371656.1, NM_001374820.1); c.5205C>T, p.Asp1735= (NM_017519.3); c.4995C>T (NM_020732.3).
Identifiers: ClinVar variation 3364553 (VCV003364553.1).

ClinVar aggregate classification (germline): Uncertain significance (1 of 4 stars; one submission).

Submission:

GeneDx
Classification: Uncertain significance. Last evaluated: 2023-11-18. Review status: criteria provided, single submitter. Criteria: GeneDx Variant Classification Process June 2021. Collection method: clinical testing. Allele origin: germline. Affected: yes.
Comment: Not observed at significant frequency in large population cohorts (gnomAD); In silico analysis supports that this variant does not alter splicing; Has not been previously published as pathogenic or benign to our knowledge